The following is an entry in ClinVar:

ClinVar aggregate classification (germline): Uncertain significance (1 of 4 stars; one submission).

Submission:

Ambry Genetics
Classification: Uncertain significance. Last evaluated: 2026-07-08. Review status: criteria provided, single submitter. Criteria: Ambry Variant Classification Scheme 2023. Collection method: clinical testing. Allele origin: germline.
Comment: The c.82G>A (p.V28M) alteration is located in exon 1 (coding exon 1) of the HSPA6 gene. This alteration results from a G to A substitution at nucleotide position 82, causing the valine (V) at amino acid position 28 to be replaced by a methionine (M). Based on data from gnomAD, the A allele has an overall frequency of 0.001% (1/134840) total alleles studied. The highest observed frequency was 0.002% (1/52272) of European (non-Finnish) alleles. Based on insufficient or conflicting evidence, the clinical significance of this alteration remains unclear.

NM_002155.5(HSPA6):c.82G>A (p.Val28Met)

Gene: HSPA6 (heat shock protein family A (Hsp70) member 6; plus strand). Cytogenetic location: 1q23.3.
Variant type: single nucleotide variant.
Coding change: c.82G>A on transcript NM_002155.5 (MANE Select); coding-DNA position 82, G replaced by A.
Protein change: p.Val28Met; replaces valine 28 with methionine.
Molecular consequence: missense variant.
Genome position (GRCh38, 1-based): chr1:161,524,740, G>A. VCF-style: chr1-161524740-G-A. GRCh37 (hg19) VCF-style: chr1-161494530-G-A.
Other names: short protein forms V28M.
Identifiers: ClinVar variation 5022730 (VCV005022730.1).